The following is an entry in ClinVar:

NM_018129.4(PNPO):c.307G>A (p.Gly103Arg)

Gene: PNPO (pyridoxamine 5'-phosphate oxidase; plus strand). Cytogenetic location: 17q21.32.
Variant type: single nucleotide variant.
Coding change: c.307G>A on transcript NM_018129.4 (MANE Select); coding-DNA position 307, G replaced by A.
Protein change: p.Gly103Arg; replaces glycine 103 with arginine.
Molecular consequence: missense variant.
Genome position (GRCh38, 1-based): chr17:47,944,659, G>A. VCF-style: chr17-47944659-G-A. GRCh37 (hg19) VCF-style: chr17-46022025-G-A.
Other names: p.G103R:GGG>AGG; short protein forms G103R.
Identifiers: ClinVar variation 206443 (VCV000206443.13), dbSNP rs781657980, ClinGen allele CA316552.

ClinVar aggregate classification (germline): Uncertain significance. Review status: criteria provided, multiple submitters, no conflicts (2 of 4 stars). 4 submissions from 4 submitters: Uncertain significance (4). Last evaluated 2026-03-22.

Conditions:
PNPO-related disorder. Also called: PNPO-related disorders; PNPO-related condition.
Pyridoxal phosphate-responsive seizures (PNPOD). Also called: Pyridoxal 5'-Phosphate (PLP)-Dependent Epilepsy; SEIZURES, PYRIDOXINE-RESISTANT, PLP-SENSITIVE; Pyridoxine-5'-phosphate oxidase deficiency; EPILEPTIC ENCEPHALOPATHY, NEONATAL, PNPO-RELATED; Pyridoxamine 5-Prime-Phosphate Oxidase Deficiency. Identifiers: Orphanet 79096, MedGen C1864723, MONDO:0012407, OMIM 610090. Disease mechanism: loss of function.

Allele frequency attached by ClinVar (database versions not stated): gnomAD 0.00001; gnomAD exomes 0.00003 and 0.00004; ExAC 0.00004; TOPMed 0.00004.
gnomAD v4.1: 52 of 1,614,048 alleles (0.0032%); highest among the groups gnomAD compares: Non-Finnish European, 0.004%; no homozygotes.

Submissions (4):

PreventionGenetics, part of Exact Sciences
Classification: Uncertain significance for PNPO-related condition. Last evaluated: 2026-03-22. Review status: criteria provided, single submitter. Criteria: ACMG Guidelines, 2015. Collection method: clinical testing. Allele origin: germline.
Comment: The PNPO c.307G>A variant is predicted to result in the amino acid substitution p.Gly103Arg. To our knowledge, this variant has not been reported in the literature. This variant is reported in 0.0079% of alleles in individuals of European (Non-Finnish) descent in gnomAD. At this time, the clinical significance of this variant is uncertain due to the absence of conclusive functional and genetic evidence.

Labcorp Genetics (formerly Invitae), Labcorp
Classification: Uncertain significance for Pyridoxal phosphate-responsive seizures. Last evaluated: 2024-10-30. Review status: criteria provided, single submitter. Criteria: Invitae Variant Classification Sherloc (09022015). Collection method: clinical testing. Allele origin: germline.
Comment: This sequence change replaces glycine, which is neutral and non-polar, with arginine, which is basic and polar, at codon 103 of the PNPO protein (p.Gly103Arg). This variant is present in population databases (rs781657980, gnomAD 0.008%). This variant has not been reported in the literature in individuals affected with PNPO-related conditions. ClinVar contains an entry for this variant (Variation ID: 206443). Invitae Evidence Modeling of protein sequence and biophysical properties (such as structural, functional, and spatial information, amino acid conservation, physicochemical variation, residue mobility, and thermodynamic stability) indicates that this missense variant is not expected to disrupt PNPO protein function with a negative predictive value of 80%. In summary, the available evidence is currently insufficient to determine the role of this variant in disease. Therefore, it has been classified as a Variant of Uncertain Significance.

Eurofins Ntd Llc (ga)
Classification: Uncertain significance. Last evaluated: 2015-12-03. Review status: criteria provided, single submitter. Criteria: EGL Classification Definitions 2015. Collection method: clinical testing. Allele origin: germline. Observed: 1 variant allele, 1 heterozygote.

GeneDx
Classification: Uncertain significance. Last evaluated: 2015-05-20. Review status: criteria provided, single submitter. Criteria: GeneDx Variant Classification (06012015). Collection method: clinical testing. Allele origin: germline. Affected: yes.
Comment: p.Gly103Arg (GGG>AGG): c.307 G>A in exon 3 of the PNPO gene (NM_018129.3). The G103R variant has not been published as a mutation, nor has it been reported as a benign polymorphism to our knowledge. It was not observed in approximately 6,500 individuals of European and African American ancestry in the NHLBI Exome Sequencing Project, indicating it is not a common benign variant in these populations. The G103R variant is a non-conservative amino acid substitution, which is likely to impact secondary protein structure as these residues differ in polarity, charge, size and/or other properties. In silico analysis predicts this variant is probably damaging to the protein structure/function. Two missense mutations at a nearby residue (R95C and R95H) have been reported in association with PNPO-related disorders. However, this substitution occurs at a position that is not conserved across species. Therefore, based on the currently available information, it is unclear whether this variant is a pathogenic mutation or a rare benign variant. The variant is found in INFANT-EPI panel(s).